The following is an entry in ClinVar:

NM_003482.4(KMT2D):c.4583+3G>T

Gene: KMT2D (lysine methyltransferase 2D; minus strand). Cytogenetic location: 12q13.12.
Variant type: single nucleotide variant.
Coding change: c.4583+3G>T on transcript NM_003482.4 (MANE Select); 3 bases into the intron after coding-DNA position 4583, G replaced by T.
Molecular consequence: intron variant.
Genome position (GRCh38, 1-based): chr12:49,046,257, C>A on the plus strand (G>T on the coding strand, the complement: KMT2D is on the minus strand). VCF-style: chr12-49046257-C-A. GRCh37 (hg19) VCF-style: chr12-49440040-C-A.
Identifiers: ClinVar variation 1675279 (VCV001675279.2), dbSNP rs1361575739, ClinGen allele CA2573148676.
Genomic context (GRCh38, chr12:49,046,257, plus strand): 5'-AATAAGCTCAGGCAATGCGAGGCTGGCAACAGGGCCAAAGTGAGGAGAAAGGGATGTTCT[C>A]ACCGTTCACAGTGGCGGCACTGGATTAGTAGGTCCTCTTCTACGTAAGGAGCATGACAGA-3'

ClinVar aggregate classification (germline): Uncertain significance (1 of 4 stars; one submission).

Submission:

GeneDx
Classification: Uncertain significance. Last evaluated: 2021-09-24. Review status: criteria provided, single submitter. Criteria: GeneDx Variant Classification Process June 2021. Collection method: clinical testing. Allele origin: germline. Affected: yes.
Comment: Not observed at significant frequency in large population cohorts (gnomAD); In-silico analysis is inconclusive as to whether the variant alters gene splicing. In the absence of RNA/functional studies, the actual effect of this sequence change is unknown.; Has not been previously published as pathogenic or benign to our knowledge